The following is an entry in ClinVar:

ClinVar aggregate classification (germline): Uncertain significance (1 of 4 stars; one submission).

Allele frequency attached by ClinVar (database versions not stated): gnomAD 0.00001; TOPMed 0.00002.
gnomAD v4.1: 2 of 1,613,824 alleles (0.00012%); highest among the groups gnomAD compares: Middle Eastern, 0.016%; no homozygotes.

Submission:

GeneDx
Classification: Uncertain significance. Last evaluated: 2023-03-14. Review status: criteria provided, single submitter. Criteria: GeneDx Variant Classification Process June 2021. Collection method: clinical testing. Allele origin: germline. Affected: yes.
Comment: Not observed at significant frequency in large population cohorts (gnomAD); In silico analysis supports that this missense variant has a deleterious effect on protein structure/function; Has not been previously published as pathogenic or benign to our knowledge

NM_016239.4(MYO15A):c.6466A>G (p.Ser2156Gly)

Gene: MYO15A (myosin XVA; plus strand). Cytogenetic location: 17p11.2.
Variant type: single nucleotide variant.
Coding change: c.6466A>G on transcript NM_016239.4 (MANE Select); coding-DNA position 6466, A replaced by G.
Protein change: p.Ser2156Gly; replaces serine 2156 with glycine.
Molecular consequence: missense variant.
Genome position (GRCh38, 1-based): chr17:18,146,064, A>G. VCF-style: chr17-18146064-A-G. GRCh37 (hg19) VCF-style: chr17-18049378-A-G.
Other names: short protein forms S2156G.
Identifiers: ClinVar variation 2446579 (VCV002446579.1), dbSNP rs868309475, ClinGen allele CA288407502.